The following is an entry in ClinVar:

ClinVar aggregate classification (germline): Uncertain significance. Review status: criteria provided, multiple submitters, no conflicts (2 of 4 stars). 2 submissions from 2 submitters: Uncertain significance (2). Last evaluated 2024-11-25.

Conditions:
Inborn genetic diseases. Identifiers: MedGen C0950123, MeSH D030342.

gnomAD v4.1: 4 of 1,614,078 alleles (0.00025%); highest among the groups gnomAD compares: African/African-American, 0.0013%; no homozygotes.

Submissions (2):

Labcorp Genetics (formerly Invitae), Labcorp
Classification: Uncertain significance. Last evaluated: 2024-11-25. Review status: criteria provided, single submitter. Criteria: Invitae Variant Classification Sherloc (09022015). Collection method: clinical testing. Allele origin: germline.
Comment: This sequence change replaces proline, which is neutral and non-polar, with alanine, which is neutral and non-polar, at codon 839 of the CSF2RB protein (p.Pro839Ala). This variant is present in population databases (no rsID available, gnomAD 0.0009%). This variant has not been reported in the literature in individuals affected with CSF2RB-related conditions. ClinVar contains an entry for this variant (Variation ID: 2179699). Invitae Evidence Modeling of protein sequence and biophysical properties (such as structural, functional, and spatial information, amino acid conservation, physicochemical variation, residue mobility, and thermodynamic stability) indicates that this missense variant is not expected to disrupt CSF2RB protein function with a negative predictive value of 80%. In summary, the available evidence is currently insufficient to determine the role of this variant in disease. Therefore, it has been classified as a Variant of Uncertain Significance.

Ambry Genetics
Classification: Uncertain significance for Inborn genetic diseases. Last evaluated: 2024-10-11. Review status: criteria provided, single submitter. Criteria: Ambry Variant Classification Scheme 2023. Collection method: clinical testing. Allele origin: germline.

NM_000395.3(CSF2RB):c.2515C>G (p.Pro839Ala)

Gene: CSF2RB (colony stimulating factor 2 receptor subunit beta; plus strand). Cytogenetic location: 22q12.3.
Variant type: single nucleotide variant.
Coding change: c.2515C>G on transcript NM_000395.3 (MANE Select); coding-DNA position 2515, C replaced by G.
Protein change: p.Pro839Ala; replaces proline 839 with alanine.
Molecular consequence: missense variant.
Genome position (GRCh38, 1-based): chr22:36,938,323, C>G. VCF-style: chr22-36938323-C-G. GRCh37 (hg19) VCF-style: chr22-37334365-C-G.
Other names: c.2533C>G, p.Pro845Ala (NM_001410827.1); c.2515C>G (NM_000395.2); short protein forms P839A, P845A.
Identifiers: ClinVar variation 2179699 (VCV002179699.5), dbSNP rs1008678561, ClinGen allele CA411411648.